The following is an entry in ClinVar:

NM_017654.4(SAMD9):c.800T>G (p.Met267Arg)

Gene: SAMD9 (sterile alpha motif domain containing 9; minus strand). Cytogenetic location: 7q21.2.
Variant type: single nucleotide variant.
Coding change: c.800T>G on transcript NM_017654.4 (MANE Select); coding-DNA position 800, T replaced by G.
Protein change: p.Met267Arg; replaces methionine 267 with arginine.
Molecular consequence: missense variant.
Genome position (GRCh38, 1-based): chr7:93,105,298, A>C on the plus strand (T>G on the coding strand, the complement: SAMD9 is on the minus strand). VCF-style: chr7-93105298-A-C. GRCh37 (hg19) VCF-style: chr7-92734611-A-C.
Other names: c.800T>G, p.Met267Arg (NM_001193307.2); short protein forms M267R.
Identifiers: ClinVar variation 4824713 (VCV004824713.1).

ClinVar aggregate classification (germline): Uncertain significance (1 of 4 stars; one submission).

Conditions:
Inborn genetic diseases. Identifiers: MedGen C0950123, MeSH D030342.

gnomAD v4.1: 2 of 1,614,000 alleles (0.00012%); highest among the groups gnomAD compares: South Asian, 0.0022%; no homozygotes.

Submission:

Ambry Genetics
Classification: Uncertain significance for Inborn genetic diseases. Last evaluated: 2026-02-21. Review status: criteria provided, single submitter. Criteria: Ambry Variant Classification Scheme 2023. Collection method: clinical testing. Allele origin: germline.
Comment: The p.M267R variant (also known as c.800T>G), located in coding exon 1 of the SAMD9 gene, results from a T to G substitution at nucleotide position 800. The methionine at codon 267 is replaced by arginine, an amino acid with similar properties. This amino acid position is conserved. In addition, this alteration is predicted to be tolerated by in silico analysis. Based on the available evidence, the clinical significance of this variant remains unclear.